The following is an entry in ClinVar:

NM_181523.3(PIK3R1):c.680T>G (p.Ile227Ser)

Gene: PIK3R1 (phosphoinositide-3-kinase regulatory subunit 1; plus strand). Cytogenetic location: 5q13.1.
Variant type: single nucleotide variant.
Coding change: c.680T>G on transcript NM_181523.3 (MANE Select); coding-DNA position 680, T replaced by G.
Protein change: p.Ile227Ser; replaces isoleucine 227 with serine.
Molecular consequence: missense variant.
Genome position (GRCh38, 1-based): chr5:68,280,573, T>G. VCF-style: chr5-68280573-T-G. GRCh37 (hg19) VCF-style: chr5-67576401-T-G.
Other names: short protein forms I227S.
Identifiers: ClinVar variation 2149326 (VCV002149326.4), dbSNP rs766492925, ClinGen allele CA3290122.

ClinVar aggregate classification (germline): Uncertain significance (1 of 4 stars; one submission).

Conditions:
Agammaglobulinemia 7, autosomal recessive (AGM7). Also called: AGAMMAGLOBULINEMIA, AUTOSOMAL RECESSIVE, DUE TO PIK3R1 DEFECT. Identifiers: MedGen C3554689, MONDO:0014083, OMIM 615214.
SHORT syndrome. Also called: PIK3R1-Related SHORT Syndrome; LIPODYSTROPHY, PARTIAL, WITH RIEGER ANOMALY AND SHORT STATURE; SHORT STATURE, HYPEREXTENSIBILITY, HERNIA, OCULAR DEPRESSION, RIEGER ANOMALY, AND TEETHING DELAY. Identifiers: Orphanet 3163, MedGen C0878684, MONDO:0010026, OMIM 269880.
Immunodeficiency 36 with lymphoproliferation. Also called: Activated PI3K Delta Syndrome Type 2 (APDS2); Immunodeficiency 36; ACTIVATED PI3K-DELTA SYNDROME 2. Identifiers: Orphanet 397596, Orphanet 693681, MedGen C4014934, MONDO:0014453, OMIM 616005.

Allele frequency attached by ClinVar (database versions not stated): ExAC 0.00002; gnomAD 0.00003; TOPMed 0.00005.
gnomAD v4.1: 13 of 1,613,136 alleles (0.00081%); highest among the groups gnomAD compares: African/African-American, 0.016%; no homozygotes.

Submission:

Labcorp Genetics (formerly Invitae), Labcorp
Classification: Uncertain significance for SHORT syndrome; Immunodeficiency 36 with lymphoproliferation; Agammaglobulinemia 7, autosomal recessive. Last evaluated: 2025-11-23. Review status: criteria provided, single submitter. Criteria: Invitae Variant Classification Sherloc (09022015). Collection method: clinical testing. Allele origin: germline.
Comment: This sequence change replaces isoleucine, which is neutral and non-polar, with serine, which is neutral and polar, at codon 227 of the PIK3R1 protein (p.Ile227Ser). This variant is present in population databases (rs766492925, gnomAD 0.01%). This variant has not been reported in the literature in individuals affected with PIK3R1-related conditions. ClinVar contains an entry for this variant (Variation ID: 2149326). An algorithm developed to predict the effect of missense changes on protein structure and function (PolyPhen-2) suggests that this variant is likely to be disruptive. In summary, the available evidence is currently insufficient to determine the role of this variant in disease. Therefore, it has been classified as a Variant of Uncertain Significance.